The following is an entry in ClinVar:

ClinVar aggregate classification (germline): Benign. Review status: reviewed by expert panel (3 of 4 stars). 2 submissions from 2 submitters: Benign (1). 1 of the submissions does not count toward it. Last evaluated 2025-02-11.

Conditions:
Bernard Soulier syndrome (BSS). Also called: Giant platelet syndrome; Hemorrhagiparous thrombocytic dystrophy; Giant platelet disease; BLEEDING DISORDER, PLATELET-TYPE, 1; Platelet Glycoprotein 1b, Deficiency of; GLYCOPROTEIN Ib, PLATELET, DEFICIENCY OF. Identifiers: Orphanet 274, MedGen C0005129, MeSH D001606, MONDO:0009276, OMIM 231200.

Allele frequency attached by ClinVar (database versions not stated): 1000 Genomes Project 0.00120; 1000 Genomes Project 30x 0.00141; gnomAD 0.00149 and 0.00161; TOPMed 0.00186.
gnomAD v4.1: 418 of 600,842 alleles (0.07%); highest among the groups gnomAD compares: African/African-American, 0.46%; no homozygotes.

Submissions (2):

ClinGen Platelet Disorders Variant Curation Expert Panel, ClinGen
Classification: Benign for Bernard Soulier syndrome. Last evaluated: 2025-02-11. Review status: reviewed by expert panel. Criteria: ClinGen Platelet ACMG Specifications GP9 V1.0.0. Collection method: curation. Allele origin: germline. Inheritance: Autosomal recessive inheritance.
Comment: The c.-124C>T variant in GP9 is a non-coding variant which located upstream of the 5' UTR. It was identified through an ICLS predisposition screen in an ostensibly healthy population. To date, this variant has not been reported in any patients with BSS. The c.-124C>T variant is an intronic variant that is not predicted by SpliceAI to impact splicing (acceptor gain score of 0.1 which is less than the VCEP threshold of <0.2). In addition, it occurs at a nucleotide that is not highly conserved as shown by phyloP score of 0.314583 (<1.5) (BP7). The Grpmax Filtering allele frequency in gnomAD v4.1 is 0.004120 (248/54052 alleles) in the African/African American population, which is higher than the ClinGen PD VCEP threshold (>0.001), and therefore meets this criterion (BA1). In summary, this variant meets the criteria to be classified as Benign for autosomal recessive Bernard-Soulier syndrome based on the ACMG/AMP criteria applied, as specified by the ClinGen PD VCEP: BA1, BP7.

Illumina Laboratory Services, Illumina
Classification: Uncertain significance for Bernard Soulier syndrome. Last evaluated: 2018-02-02. Review status: criteria provided, single submitter. Criteria: ICSL Variant Classification Criteria 13 December 2019. Collection method: clinical testing. Allele origin: germline. Not counted in ClinVar's aggregate classification.

NM_000174.5(GP9):c.-124C>T

Gene: GP9 (glycoprotein IX platelet; plus strand). Cytogenetic location: 3q21.3.
Variant type: single nucleotide variant.
Coding change: c.-124C>T on transcript NM_000174.5 (MANE Select); 124 bases upstream of the start codon, C replaced by T.
Molecular consequence: 5 prime UTR variant.
Genome position (GRCh38, 1-based): chr3:129,061,508, C>T. VCF-style: chr3-129061508-C-T. GRCh37 (hg19) VCF-style: chr3-128780351-C-T.
Identifiers: ClinVar variation 901795 (VCV000901795.5), dbSNP rs144100272, ClinGen allele CA82551874.